The following is an entry in ClinVar:

NM_002471.4(MYH6):c.479A>G (p.Asn160Ser)

Genes: MYH6 (myosin heavy chain 6; minus strand), LOC114827851 (VISTA enhancer hs2155; plus strand). Cytogenetic location: 14q11.2.
Variant type: single nucleotide variant.
Coding change: c.479A>G on transcript NM_002471.4 (MANE Select); coding-DNA position 479, A replaced by G.
Protein change: p.Asn160Ser; replaces asparagine 160 with serine.
Molecular consequence: missense variant.
Genome position (GRCh38, 1-based): chr14:23,405,246, T>C on the plus strand (A>G on the coding strand, the complement: MYH6 is on the minus strand). VCF-style: chr14-23405246-T-C. GRCh37 (hg19) VCF-style: chr14-23874455-T-C.
Other names: short protein forms N160S.
Identifiers: ClinVar variation 5008823 (VCV005008823.1).

ClinVar aggregate classification (germline): Uncertain significance (1 of 4 stars; one submission).

Submission:

GeneDx
Classification: Uncertain significance. Last evaluated: 2026-03-09. Review status: criteria provided, single submitter. Criteria: GeneDx Variant Classification Process June 2021. Collection method: clinical testing. Allele origin: germline.
Comment: Not observed at significant frequency in large population cohorts (gnomAD); In silico analysis supports that this missense variant has a deleterious effect on protein structure/function; Has not been previously published as pathogenic or benign to our knowledge.